The following is an entry in ClinVar:

NM_000535.7(PMS2):c.1799T>C (p.Met600Thr)

Gene: PMS2 (PMS1 homolog 2, mismatch repair system component; minus strand). Cytogenetic location: 7p22.1.
Variant type: single nucleotide variant.
Coding change: c.1799T>C on transcript NM_000535.7 (MANE Select); coding-DNA position 1799, T replaced by C.
Protein change: p.Met600Thr; replaces methionine 600 with threonine.
Molecular consequence: missense variant. On other transcripts: non-coding transcript variant (1).
Genome position (GRCh38, 1-based): chr7:5,986,966, A>G on the plus strand (T>C on the coding strand, the complement: PMS2 is on the minus strand). VCF-style: chr7-5986966-A-G. GRCh37 (hg19) VCF-style: chr7-6026597-A-G.
Other names: c.1394T>C, p.Met465Thr (NM_001018040.1, NM_001322003.2, NM_001322004.2 and 17 more transcripts); c.1643T>C, p.Met548Thr (NM_001322006.2, NM_001406870.1); c.1481T>C, p.Met494Thr (NM_001322007.2, NM_001322008.2, NM_001406876.1 and 2 more transcripts); c.1238T>C, p.Met413Thr (NM_001322010.2, NM_001406906.1, NM_001406907.1); c.866T>C, p.Met289Thr (NM_001322011.2, NM_001322012.2); c.1226T>C, p.Met409Thr (NM_001322013.2, NM_001406909.1); c.1799T>C, p.Met600Thr (NM_001322014.2, NM_001406871.1, NM_001406872.1); c.1490T>C, p.Met497Thr (NM_001322015.2, NM_001406875.1, NM_001406877.1 and 5 more transcripts); and 12 more; short protein forms M343T, M534T, M564T, M608T, M662T, M409T, M442T, M445T.
Identifiers: ClinVar variation 1780315 (VCV001780315.6), dbSNP rs2128723245, ClinGen allele CA366739793.
Genomic context (GRCh38, chr7:5,986,966, plus strand): 5'-AAGTCCAGGGGCACAACTTTCTTATTAATTTTCACAGCTACATCAACCTGAGAGGCTGAC[A>G]TGTCCTGAGTATTTACTAACTTTTGACAAATGTCAGAACTGGAAAGAATTTCTTCTTTTT-3'
Protein context (NP_000526.2, residues 590-610): ICQKLVNTQD[Met600Thr]SASQVDVAVK

ClinVar aggregate classification (germline): Conflicting classifications of pathogenicity. Review status: criteria provided, conflicting classifications (1 of 4 stars). 2 submissions from 2 submitters: Uncertain significance (1); Likely benign (1). Last evaluated 2026-08-17.

Conditions:
Hereditary cancer-predisposing syndrome. Also called: Hereditary Cancer Syndrome; Hereditary neoplastic syndrome; Neoplastic Syndromes, Hereditary; Tumor predisposition. Identifiers: Orphanet 140162, MedGen C0027672, MeSH D009386, MONDO:0015356.
Hereditary nonpolyposis colorectal neoplasms. Identifiers: MedGen C0009405, MeSH D003123.

Allele frequency attached by ClinVar (database versions not stated): gnomAD exomes below 0.00001.
gnomAD v4.1: 1 of 1,614,084 alleles (0.000062%); highest among the groups gnomAD compares: Non-Finnish European, 0.000085%; no homozygotes.

Submissions (2):

Ambry Genetics
Classification: Likely benign for Hereditary cancer-predisposing syndrome. Last evaluated: 2026-08-17. Review status: criteria provided, single submitter. Criteria: Ambry Variant Classification Scheme 2023. Collection method: clinical testing. Allele origin: germline.

Labcorp Genetics (formerly Invitae), Labcorp
Classification: Uncertain significance for Hereditary nonpolyposis colorectal neoplasms. Last evaluated: 2024-04-15. Review status: criteria provided, single submitter. Criteria: Invitae Variant Classification Sherloc (09022015). Collection method: clinical testing. Allele origin: germline.
Comment: This sequence change replaces methionine, which is neutral and non-polar, with threonine, which is neutral and polar, at codon 600 of the PMS2 protein (p.Met600Thr). This variant is not present in population databases (gnomAD no frequency). This variant has not been reported in the literature in individuals affected with PMS2-related conditions. ClinVar contains an entry for this variant (Variation ID: 1780315). Advanced modeling of protein sequence and biophysical properties (such as structural, functional, and spatial information, amino acid conservation, physicochemical variation, residue mobility, and thermodynamic stability) performed at Invitae indicates that this missense variant is not expected to disrupt PMS2 protein function with a negative predictive value of 80%. In summary, the available evidence is currently insufficient to determine the role of this variant in disease. Therefore, it has been classified as a Variant of Uncertain Significance.